The following is an entry in ClinVar:

NC_000022.10:g.(?_51062002)_(51064623_?)del

Gene: ARSA (arylsulfatase A; minus strand). Cytogenetic location: 22q13.33.
Variant type: Deletion.
Identifiers: ClinVar variation 3247071 (VCV003247071.1).

ClinVar aggregate classification (germline): Pathogenic (1 of 4 stars; one submission).

Conditions:
Metachromatic leukodystrophy (MLD). Also called: ARSA DEFICIENCY; CEREBROSIDE SULFATASE DEFICIENCY; SULFATIDE LIPIDOSIS; METACHROMATIC LEUKOENCEPHALOPATHY; Cerebral sclerosis diffuse metachromatic form; Arylsulfatase A Deficiency. Identifiers: Orphanet 512, MedGen C0023522, MONDO:0018868, OMIM 250100.

Submission:

Labcorp Genetics (formerly Invitae), Labcorp
Classification: Pathogenic for Metachromatic leukodystrophy. Last evaluated: 2023-09-25. Review status: criteria provided, single submitter. Criteria: Invitae Variant Classification Sherloc (09022015). Collection method: clinical testing. Allele origin: unknown.
Comment: This variant results in the deletion of exon(s) 6-8 and part of exon 5 (c.938_*1571del) of the ARSA gene. While this deletion is not anticipated to lead to nonsense mediated decay, it is expected to alter mRNA translation or result in a truncated protein product. This variant has not been reported in the literature in individuals affected with ARSA-related conditions. This variant disrupts a region of the ARSA protein in which other variant(s) (p.Thr410Hisfs*16) have been determined to be pathogenic (PMID: 7635478, 19606494). This suggests that this is a clinically significant region of the protein, and that variants that disrupt it are likely to be disease-causing. For these reasons, this variant has been classified as Pathogenic.

Literature cited by the submitters: PubMed 7635478; PubMed 19606494.